The following is an entry in ClinVar:

NM_015450.3(POT1):c.1555G>A (p.Val519Ile)

Gene: POT1 (protection of telomeres 1; minus strand). Cytogenetic location: 7q31.33.
Variant type: single nucleotide variant.
Coding change: c.1555G>A on transcript NM_015450.3 (MANE Select); coding-DNA position 1555, G replaced by A.
Protein change: p.Val519Ile; replaces valine 519 with isoleucine.
Molecular consequence: missense variant. On other transcripts: non-coding transcript variant (2).
Genome position (GRCh38, 1-based): chr7:124,829,293, C>T on the plus strand (G>A on the coding strand, the complement: POT1 is on the minus strand). VCF-style: chr7-124829293-C-T. GRCh37 (hg19) VCF-style: chr7-124469347-C-T.
Other names: c.1162G>A, p.Val388Ile (NM_001042594.2); short protein forms V519I, V388I.
Identifiers: ClinVar variation 475048 (VCV000475048.31), dbSNP rs776873207, ClinGen allele CA4465075.

ClinVar aggregate classification (germline): Conflicting classifications of pathogenicity. Review status: criteria provided, conflicting classifications (1 of 4 stars). 6 submissions from 6 submitters: Uncertain significance (5); Likely benign (1). Last evaluated 2026-01-08.

Conditions:
Tumor predisposition syndrome 3 (TPDS3). Also called: Glioma susceptibility 9; LONG TELOMERE SYNDROME, POT1-RELATED; POT1 Tumor Predisposition; Melanoma, cutaneous malignant, susceptibility to, 10. Identifiers: Orphanet 618, MedGen C4014476, MONDO:0014368, OMIM 615848.
Hereditary cancer-predisposing syndrome. Also called: Hereditary neoplastic syndrome; Hereditary Cancer Syndrome; Neoplastic Syndromes, Hereditary; Tumor predisposition. Identifiers: Orphanet 140162, MedGen C0027672, MeSH D009386, MONDO:0015356.

Allele frequency attached by ClinVar (database versions not stated): ExAC 0.00001; gnomAD 0.00001; gnomAD exomes 0.00001; TOPMed 0.00003.
gnomAD v4.1: 84 of 1,606,106 alleles (0.0052%); highest among the groups gnomAD compares: Non-Finnish European, 0.0072%; no homozygotes.

Submissions (6):

Labcorp Genetics (formerly Invitae), Labcorp
Classification: Uncertain significance for Tumor predisposition syndrome 3. Last evaluated: 2026-01-08. Review status: criteria provided, single submitter. Criteria: Invitae Variant Classification Sherloc (09022015). Collection method: clinical testing. Allele origin: germline.
Comment: This sequence change replaces valine, which is neutral and non-polar, with isoleucine, which is neutral and non-polar, at codon 519 of the POT1 protein (p.Val519Ile). This variant is present in population databases (rs776873207, gnomAD 0.002%). This variant has not been reported in the literature in individuals affected with POT1-related conditions. ClinVar contains an entry for this variant (Variation ID: 475048). Invitae Evidence Modeling of protein sequence and biophysical properties (such as structural, functional, and spatial information, amino acid conservation, physicochemical variation, residue mobility, and thermodynamic stability) indicates that this missense variant is not expected to disrupt POT1 protein function with a negative predictive value of 80%. In summary, the available evidence is currently insufficient to determine the role of this variant in disease. Therefore, it has been classified as a Variant of Uncertain Significance.

Ambry Genetics
Classification: Likely benign for Hereditary cancer-predisposing syndrome. Last evaluated: 2025-06-12. Review status: criteria provided, single submitter. Criteria: Ambry Variant Classification Scheme 2023. Collection method: clinical testing. Allele origin: germline.

Center for Genomic Medicine, Rigshospitalet, Copenhagen University Hospital
Classification: Uncertain significance. Last evaluated: 2025-03-04. Review status: criteria provided, single submitter. Criteria: ACMG Guidelines, 2015. Collection method: clinical testing. Allele origin: germline.

St. Jude Molecular Pathology, St. Jude Children's Research Hospital
Classification: Uncertain significance for Tumor predisposition syndrome 3. Last evaluated: 2024-01-11. Review status: criteria provided, single submitter. Criteria: St. Jude Assertion Criteria 2020. Collection method: clinical testing. Allele origin: germline.

GeneDx
Classification: Uncertain significance. Last evaluated: 2023-09-21. Review status: criteria provided, single submitter. Criteria: GeneDx Variant Classification Process June 2021. Collection method: clinical testing. Allele origin: germline. Affected: yes.
Comment: Not observed at significant frequency in large population cohorts (gnomAD); In silico analysis supports that this missense variant does not alter protein structure/function; Published functional studies demonstrate no damaging effect: telomere binding similar to wildtype (Simonin-Wilmer et al., 2022); This variant is associated with the following publications: (PMID: 28393830, 36539277)

Genetic Services Laboratory, University of Chicago
Classification: Uncertain significance. Last evaluated: 2021-03-31. Review status: criteria provided, single submitter. Criteria: ACMG Guidelines, 2015. Collection method: clinical testing. Allele origin: germline. Affected: no.